The following is an entry in ClinVar:

ClinVar aggregate classification (germline): Uncertain significance (1 of 4 stars; one submission).

Conditions:
Autosomal recessive limb-girdle muscular dystrophy type 2F (LGMDR6). Also called: Muscular dystrophy limb-girdle with delta-sarcoglyan deficiency; MUSCULAR DYSTROPHY, LIMB-GIRDLE, AUTOSOMAL RECESSIVE 6. Identifiers: Orphanet 219, MedGen C1832525, MONDO:0011028, OMIM 601287. Disease mechanism: Affects gamma-sarcoglycan and also disrupts the integrity of the entire sarcoglycan complex..

Submission:

Labcorp Genetics (formerly Invitae), Labcorp
Classification: Uncertain significance for Autosomal recessive limb-girdle muscular dystrophy type 2F. Last evaluated: 2018-06-21. Review status: criteria provided, single submitter. Criteria: Invitae Variant Classification Sherloc (09022015). Collection method: clinical testing. Allele origin: germline.
Comment: This variant results in a copy number gain of the genomic region encompassing exon 2 of the SGCD gene. The 5' end of this event is unknown as it extends beyond the assayed region for this gene and therefore may encompass additional genes. The 3' boundary is likely confined to intron 2 of the SGCD gene. As the precise location of this event is unknown, it may be in tandem or it may be located elsewhere in the genome. This variant has not been reported in the literature in individuals with SGCD-related disease. In summary, the available evidence is currently insufficient to determine the role of this variant in disease. Therefore, it has been classified as a Variant of Uncertain Significance.

NC_000005.9:g.(?_155756567)_(155756609_?)dup

Gene: SGCD (sarcoglycan delta; plus strand). Cytogenetic location: 5q33.3.
Variant type: Duplication.
Identifiers: ClinVar variation 1010328 (VCV001010328.7).